The following is an entry in ClinVar:

ClinVar aggregate classification (germline): Uncertain significance (1 of 4 stars; one submission).

Conditions:
FRONTOTEMPORAL LOBAR DEGENERATION WITH TDP43 INCLUSIONS, TARDBP-RELATED. Also called: Frontotemporal lobar degeneration, TARDBP-related. Identifiers: MedGen C3150169, OMIM 612069.
Amyotrophic lateral sclerosis type 10 (ALS10). Also called: TARDBP-Related Amyotrophic Lateral Sclerosis-Frontotemporal Dementia; Amyotrophic lateral sclerosis 10, with or without FTD; AMYOTROPHIC LATERAL SCLEROSIS 10 WITHOUT FRONTOTEMPORAL DEMENTIA AND WITH TDP43 INCLUSIONS; AMYOTROPHIC LATERAL SCLEROSIS 10 WITH OR WITHOUT FRONTOTEMPORAL DEMENTIA AND WITH TDP43 INCLUSIONS; AMYOTROPHIC LATERAL SCLEROSIS 10 WITH OR WITHOUT FRONTOTEMPORAL DEMENTIA. Identifiers: Orphanet 275872, Orphanet 803, MedGen C2677565, MONDO:0012790, OMIM 612069.

Allele frequency attached by ClinVar (database versions not stated): gnomAD exomes below 0.00001.
gnomAD v4.1: 1 of 1,613,958 alleles (0.000062%); highest among the groups gnomAD compares: Non-Finnish European, 0.000085%; no homozygotes.

Submission:

Labcorp Genetics (formerly Invitae), Labcorp
Classification: Uncertain significance for Amyotrophic lateral sclerosis type 10; FRONTOTEMPORAL LOBAR DEGENERATION WITH TDP43 INCLUSIONS, TARDBP-RELATED. Last evaluated: 2025-10-22. Review status: criteria provided, single submitter. Criteria: Invitae Variant Classification Sherloc (09022015). Collection method: clinical testing. Allele origin: germline.
Comment: This sequence change replaces alanine, which is neutral and non-polar, with threonine, which is neutral and polar, at codon 326 of the TARDBP protein (p.Ala326Thr). This variant is not present in population databases (gnomAD no frequency). This variant has not been reported in the literature in individuals affected with TARDBP-related conditions. ClinVar contains an entry for this variant (Variation ID: 1958663). Invitae Evidence Modeling of protein sequence and biophysical properties (such as structural, functional, and spatial information, amino acid conservation, physicochemical variation, residue mobility, and thermodynamic stability) indicates that this missense variant is not expected to disrupt TARDBP protein function with a negative predictive value of 80%. In summary, the available evidence is currently insufficient to determine the role of this variant in disease. Therefore, it has been classified as a Variant of Uncertain Significance.

NM_007375.4(TARDBP):c.976G>A (p.Ala326Thr)

Gene: TARDBP (TAR DNA binding protein; plus strand). Cytogenetic location: 1p36.22.
Variant type: single nucleotide variant.
Coding change: c.976G>A on transcript NM_007375.4 (MANE Select); coding-DNA position 976, G replaced by A.
Protein change: p.Ala326Thr; replaces alanine 326 with threonine.
Molecular consequence: missense variant.
Genome position (GRCh38, 1-based): chr1:11,022,385, G>A. VCF-style: chr1-11022385-G-A. GRCh37 (hg19) VCF-style: chr1-11082442-G-A.
Other names: short protein forms A326T.
Identifiers: ClinVar variation 1958663 (VCV001958663.5), dbSNP rs2521341937, ClinGen allele CA338366926.